The following is an entry in ClinVar:

ClinVar aggregate classification (germline): Likely benign. Review status: criteria provided, multiple submitters, no conflicts (2 of 4 stars). 2 submissions from 2 submitters: Likely benign (2). Last evaluated 2025-09-22.

Conditions:
Frasier syndrome. Identifiers: Orphanet 347, MedGen C0950122, MeSH D052159, MONDO:0007635, OMIM 136680.
Drash syndrome (DDS). Also called: WILMS TUMOR AND PSEUDO- OR TRUE HERMAPHRODITISM; NEPHROPATHY, WILMS TUMOR, AND GENITAL ANOMALIES. Identifiers: Orphanet 220, MedGen C0950121, MONDO:0008682, OMIM 194080.
Wilms tumor 1 (WT1). Also called: Wilms tumor, somatic. Identifiers: Orphanet 654, MedGen CN033288, MONDO:0008679, OMIM 194070.
11p partial monosomy syndrome (WAGR). Also called: WAGR syndrome; WAGR Complex; CHROMOSOME 11p13 DELETION SYNDROME; WAGR Spectrum Disorder. Identifiers: Orphanet 893, MedGen C0206115, MONDO:0008681, OMIM 194072.

gnomAD v4.1: 1 of 1,613,944 alleles (0.000062%); highest among the groups gnomAD compares: Non-Finnish European, 0.000085%; no homozygotes.

Submissions (2):

Labcorp Genetics (formerly Invitae), Labcorp
Classification: Likely benign for Wilms tumor 1; Drash syndrome; 11p partial monosomy syndrome; Frasier syndrome. Last evaluated: 2025-09-22. Review status: criteria provided, single submitter. Criteria: Invitae Variant Classification Sherloc (09022015). Collection method: clinical testing. Allele origin: germline.

All of Us Research Program, National Institutes of Health
Classification: Likely benign for Wilms tumor 1. Last evaluated: 2024-04-16. Review status: criteria provided, single submitter. Criteria: ACMG Guidelines, 2015. Collection method: clinical testing. Allele origin: germline. Inheritance: Autosomal dominant inheritance. Observed: 1 variant allele, 1 heterozygote.
Comment: This study involves interpretation of variants in research participants for the purpose of population health screening. Participant phenotype was not available at the time of variant classification. Additional details can be found in publication PMID: 35346344, PMCID: PMC8962531

NM_024426.6(WT1):c.1355-6A>T

Gene: WT1 (WT1 transcription factor; minus strand). Cytogenetic location: 11p13.
Variant type: single nucleotide variant.
Coding change: c.1355-6A>T on transcript NM_024426.6 (MANE Select); 6 bases into the intron before coding-DNA position 1355, A replaced by T.
Molecular consequence: intron variant.
Genome position (GRCh38, 1-based): chr11:32,392,070, T>A on the plus strand (A>T on the coding strand, the complement: WT1 is on the minus strand). VCF-style: chr11-32392070-T-A. GRCh37 (hg19) VCF-style: chr11-32413616-T-A.
Other names: c.1181-6A>T (NM_001407050.1); c.1232-6A>T (NM_001407047.1); c.1214-6A>T (NM_001407048.1); c.1303+596A>T (NM_001407049.1); c.1304-6A>T (NM_000378.6, NM_001407045.1); c.1349-6A>T (NM_001407044.1); c.1354+596A>T (NM_001407046.1); c.1355-6A>T (NM_024424.5); and 6 more.
Identifiers: ClinVar variation 3386193 (VCV003386193.2).
Genomic context (GRCh38, chr11:32,392,070, plus strand): 5'-TGGTCGGACCGGGAGAACTTTCGCTGACAAGTTTTACACTGGAATGGTTTCACACCTAAA[T>A]GGACAGAGAAGGTCTAGCCTCGGCCCTAACAATGTGGGCACAGTGAGGCCCACAAGGCTG-3'